The following is an entry in ClinVar:

NM_003079.5(SMARCE1):c.815G>A (p.Arg272Lys)

Gene: SMARCE1 (SWI/SNF related BAF chromatin remodeling complex subunit E1; minus strand). Cytogenetic location: 17q21.2.
Variant type: single nucleotide variant.
Coding change: c.815G>A on transcript NM_003079.5 (MANE Select); coding-DNA position 815, G replaced by A.
Protein change: p.Arg272Lys; replaces arginine 272 with lysine.
Molecular consequence: missense variant.
Genome position (GRCh38, 1-based): chr17:40,631,593, C>T on the plus strand (G>A on the coding strand, the complement: SMARCE1 is on the minus strand). VCF-style: chr17-40631593-C-T. GRCh37 (hg19) VCF-style: chr17-38787845-C-T.
Other names: short protein forms R272K.
Identifiers: ClinVar variation 1979865 (VCV001979865.5), dbSNP rs767080034, ClinGen allele CA8545169.
Genomic context (GRCh38, chr17:40,631,593, plus strand): 5'-AGGAAAAATAAAGTAACAGGTATAGTGATAAAAGTATAGTTAACATATTAAACAGATACC[C>T]TTTTAAGTTCATTGTTAAATGAATCTGTGCTTTCCAGGAATTTCCTCTTCTTCTCCTGGT-3'
Protein context (NP_003070.3, residues 262-282): STDSFNNELK[Arg272Lys]LCGLKVEVDM

ClinVar aggregate classification (germline): Uncertain significance. Review status: criteria provided, multiple submitters, no conflicts (2 of 4 stars). 2 submissions from 2 submitters: Uncertain significance (2). Last evaluated 2025-05-28.

Conditions:
Hereditary cancer-predisposing syndrome. Also called: Hereditary Cancer Syndrome; Neoplastic Syndromes, Hereditary; Tumor predisposition; Hereditary neoplastic syndrome. Identifiers: Orphanet 140162, MedGen C0027672, MeSH D009386, MONDO:0015356.
Familial meningioma. Also called: Meningioma, familial, susceptibility to. Identifiers: Orphanet 263662, MedGen C3551915, MONDO:0011789, OMIM 607174.

Allele frequency attached by ClinVar (database versions not stated): gnomAD exomes below 0.00001; ExAC 0.00001.
gnomAD v4.1: 2 of 1,475,208 alleles (0.00014%); highest among the groups gnomAD compares: East Asian, 0.0023%; no homozygotes.

Submissions (2):

Ambry Genetics
Classification: Uncertain significance for Hereditary cancer-predisposing syndrome. Last evaluated: 2025-05-28. Review status: criteria provided, single submitter. Criteria: Ambry Variant Classification Scheme 2023. Collection method: clinical testing. Allele origin: germline.
Comment: The p.R272K variant (also known as c.815G>A), located in coding exon 8 of the SMARCE1 gene, results from a G to A substitution at nucleotide position 815. The arginine at codon 272 is replaced by lysine, an amino acid with highly similar properties. This amino acid position is conserved. In addition, the in silico prediction for this alteration is inconclusive. Based on the available evidence, the clinical significance of this variant remains unclear.

Labcorp Genetics (formerly Invitae), Labcorp
Classification: Uncertain significance for Familial meningioma. Last evaluated: 2022-09-07. Review status: criteria provided, single submitter. Criteria: Invitae Variant Classification Sherloc (09022015). Collection method: clinical testing. Allele origin: germline.
Comment: In summary, the available evidence is currently insufficient to determine the role of this variant in disease. Therefore, it has been classified as a Variant of Uncertain Significance. Algorithms developed to predict the effect of sequence changes on RNA splicing suggest that this variant may create or strengthen a splice site. Algorithms developed to predict the effect of missense changes on protein structure and function (SIFT, PolyPhen-2, Align-GVGD) all suggest that this variant is likely to be tolerated. This variant has not been reported in the literature in individuals affected with SMARCE1-related conditions. This variant is present in population databases (rs767080034, gnomAD 0.006%). This sequence change replaces arginine, which is basic and polar, with lysine, which is basic and polar, at codon 272 of the SMARCE1 protein (p.Arg272Lys).